The following is an entry in ClinVar:

ClinVar aggregate classification (germline): Uncertain significance. Review status: criteria provided, multiple submitters, no conflicts (2 of 4 stars). 2 submissions from 2 submitters: Uncertain significance (2). Last evaluated 2026-03-04.

Conditions:
Inborn genetic diseases. Identifiers: MedGen C0950123, MeSH D030342.

Submissions (2):

Women's Health and Genetics/Laboratory Corporation of America, LabCorp
Classification: Uncertain significance. Last evaluated: 2026-03-04. Review status: criteria provided, single submitter. Criteria: LabCorp Variant Classification Summary - May 2015. Collection method: clinical testing. Allele origin: germline.
Comment: Variant summary: CCDC8 c.829C>A (p.Arg277Ser) results in a non-conservative amino acid change in the encoded protein sequence. Algorithms developed to predict the effect of missense changes on protein structure and function are either unavailable or do not agree on the potential impact of this missense change. The variant allele was found at a frequency of 2.8e-05 in 246426 control chromosomes. The available data on variant occurrences in the general population are insufficient to allow any conclusion about variant significance. To our knowledge, no occurrence of c.829C>A in individuals affected with CCDC8-related conditions and no experimental evidence demonstrating its impact on protein function have been reported. ClinVar contains an entry for this variant (Variation ID: 4221556). Based on the evidence outlined above, the variant was classified as uncertain significance.

Ambry Genetics
Classification: Uncertain significance for Inborn genetic diseases. Last evaluated: 2025-08-26. Review status: criteria provided, single submitter. Criteria: Ambry Variant Classification Scheme 2023. Collection method: clinical testing. Allele origin: germline.

NM_032040.5(CCDC8):c.829C>A (p.Arg277Ser)

Gene: CCDC8 (coiled-coil domain containing 8 subunit of 3M complex; minus strand). Cytogenetic location: 19q13.32.
Variant type: single nucleotide variant.
Coding change: c.829C>A on transcript NM_032040.5 (MANE Select); coding-DNA position 829, C replaced by A.
Protein change: p.Arg277Ser; replaces arginine 277 with serine.
Molecular consequence: missense variant.
Genome position (GRCh38, 1-based): chr19:46,411,982, G>T on the plus strand (C>A on the coding strand, the complement: CCDC8 is on the minus strand). VCF-style: chr19-46411982-G-T. GRCh37 (hg19) VCF-style: chr19-46915239-G-T.
Other names: short protein forms R277S.
Identifiers: ClinVar variation 4221556 (VCV004221556.2).